The following is an entry in ClinVar:

ClinVar aggregate classification (germline): Conflicting classifications of pathogenicity. Review status: criteria provided, conflicting classifications (1 of 4 stars). 6 submissions from 6 submitters: Uncertain significance (1); Likely benign (4). 1 of the submissions does not count toward it. Last evaluated 2025-05-27.

Conditions:
Hereditary cancer-predisposing syndrome. Also called: Tumor predisposition; Neoplastic Syndromes, Hereditary; Hereditary neoplastic syndrome; Hereditary Cancer Syndrome. Identifiers: Orphanet 140162, MedGen C0027672, MeSH D009386, MONDO:0015356.
Hereditary breast ovarian cancer syndrome. Also called: Hereditary breast and ovarian cancer; Hereditary breast and ovarian cancer syndrome (HBOC); Hereditary breast and/or ovarian cancer syndrome; Breast and ovarian cancer; Hereditary breast and ovarian cancer syndrome; BRCA1- and BRCA2-Associated Hereditary Breast and Ovarian Cancer. Identifiers: Orphanet 145, MedGen C0677776, MeSH D061325, MONDO:0003582. Disease mechanism: loss of function.
Breast-ovarian cancer, familial, susceptibility to, 2 (BROVCA2). Also called: BRCA2 Hereditary Breast and Ovarian Cancer. Identifiers: Orphanet 145, MedGen C2675520, MONDO:0012933, OMIM 612555. Disease mechanism: loss of function.

Allele frequency attached by ClinVar (database versions not stated): gnomAD exomes below 0.00001 and 0.00001.
gnomAD v4.1: 8 of 1,597,052 alleles (0.0005%); highest among the groups gnomAD compares: Non-Finnish European, 0.0006%; no homozygotes.

Submissions (6):

Labcorp Genetics (formerly Invitae), Labcorp
Classification: Likely benign for Hereditary breast ovarian cancer syndrome. Last evaluated: 2025-05-27. Review status: criteria provided, single submitter. Criteria: Invitae Variant Classification Sherloc (09022015). Collection method: clinical testing. Allele origin: germline.

All of Us Research Program, National Institutes of Health
Classification: Uncertain significance for Breast-ovarian cancer, familial, susceptibility to, 2. Last evaluated: 2023-10-30. Review status: criteria provided, single submitter. Criteria: ACMG Guidelines, 2015. Collection method: clinical testing. Allele origin: germline. Inheritance: Autosomal dominant inheritance. Observed: 2 variant alleles, 2 heterozygotes.
Comment: This missense variant replaces arginine with glycine at codon 858 of the BRCA2 protein. Computational prediction suggests that this variant may not impact protein structure and function (internally defined REVEL score threshold <= 0.5, PMID: 27666373). To our knowledge, functional studies have not been reported for this variant. This variant has not been reported in individuals affected with hereditary cancer in the literature. This variant has been identified in 1/234378 chromosomes in the general population by the Genome Aggregation Database (gnomAD). The available evidence is insufficient to determine the role of this variant in disease conclusively. Therefore, this variant is classified as a Variant of Uncertain Significance.

This study involves interpretation of variants in research participants for the purpose of population health screening. Participant phenotype was not available at the time of variant classification. Additional details can be found in publication PMID: 35346344, PMCID: PMC8962531

University of Washington Department of Laboratory Medicine, University of Washington
Classification: Likely benign for Hereditary cancer-predisposing syndrome. Last evaluated: 2023-03-23. Review status: criteria provided, single submitter. Criteria: Dines et al. (Genet Med. 2020). Collection method: curation. Allele origin: germline.
Comment: Missense variant in a coldspot region where missense variants are very unlikely to be pathogenic (PMID:31911673).

BRCA2 exon 11 coldspot. Reclassification based on statistical prior probability.

Ambry Genetics
Classification: Likely benign for Hereditary cancer-predisposing syndrome. Last evaluated: 2016-07-15. Review status: criteria provided, single submitter. Criteria: Ambry Variant Classification Scheme 2023. Collection method: clinical testing. Allele origin: germline.

GeneDx
Classification: Likely benign. Last evaluated: 2014-01-06. Review status: criteria provided, single submitter. Criteria: GeneDx Variant Classification (06012015). Collection method: clinical testing. Allele origin: germline. Affected: yes.
Comment: This variant is considered likely benign or benign based on one or more of the following criteria: it is a conservative change, it occurs at a poorly conserved position in the protein, it is predicted to be benign by multiple in silico algorithms, and/or has population frequency not consistent with disease.

Sharing Clinical Reports Project (SCRP)
Classification: Likely benign for Breast-ovarian cancer, familial 2. Last evaluated: 2010-04-06. Review status: no assertion criteria provided. Collection method: clinical testing. Allele origin: germline. Not counted in ClinVar's aggregate classification.

NM_000059.4(BRCA2):c.2572A>G (p.Arg858Gly)

Gene: BRCA2 (BRCA2 DNA repair associated; plus strand). Cytogenetic location: 13q13.1.
Variant type: single nucleotide variant.
Coding change: c.2572A>G on transcript NM_000059.4 (MANE Select); coding-DNA position 2572, A replaced by G.
Protein change: p.Arg858Gly; replaces arginine 858 with glycine.
Molecular consequence: missense variant.
Genome position (GRCh38, 1-based): chr13:32,336,927, A>G. VCF-style: chr13-32336927-A-G. GRCh37 (hg19) VCF-style: chr13-32911064-A-G.
Other names: p.R858G:AGA>GGA; 2800A>G; short protein forms R858G.
Identifiers: ClinVar variation 37791 (VCV000037791.19), dbSNP rs397507289, ClinGen allele CA015667.